The following is an entry in ClinVar:

Conditions:
Arteriohepatic dysplasia. Also called: Alagille Syndrome. Identifiers: Orphanet 52, MedGen C0085280, MeSH D016738, MONDO:0007318.

Submission:

Gilbert/Spinner Lab, Children's Hospital of Philadelphia
No classification provided (evidence only). Condition: Alagille syndrome. Review status: no classification provided. Collection method: research. Allele origin: not applicable. Functional consequence: functionally_abnormal.
ClinVar note: "not provided" was previously submitted as the classification for the variant. However, the classification appeared to be based only on an observation of functional data so it was converted to no classification on 2025-07-30.

NM_000214.3(JAG1):c.852T>G (p.Cys284Trp)

Gene: JAG1 (jagged canonical Notch ligand 1; minus strand). Cytogenetic location: 20p12.2.
Variant type: single nucleotide variant.
Coding change: c.852T>G on transcript NM_000214.3 (MANE Select); coding-DNA position 852, T replaced by G.
Protein change: p.Cys284Trp; replaces cysteine 284 with tryptophan.
Molecular consequence: missense variant.
Genome position (GRCh38, 1-based): chr20:10,652,502, A>C on the plus strand (T>G on the coding strand, the complement: JAG1 is on the minus strand). VCF-style: chr20-10652502-A-C. GRCh37 (hg19) VCF-style: chr20-10633150-A-C.
Other names: short protein forms C284W.
Identifiers: ClinVar variation 3573138 (VCV003573138.2).